The following is an entry in ClinVar:

NM_006361.6(HOXB13):c.723C>T (p.Ile241=)

Gene: HOXB13 (homeobox B13; minus strand). Cytogenetic location: 17q21.32.
Variant type: single nucleotide variant.
Coding change: c.723C>T on transcript NM_006361.6 (MANE Select); coding-DNA position 723, C replaced by T.
Protein change: p.Ile241=; no amino-acid change (isoleucine 241 retained).
Molecular consequence: synonymous variant.
Genome position (GRCh38, 1-based): chr17:48,726,922, G>A on the plus strand (C>T on the coding strand, the complement: HOXB13 is on the minus strand). VCF-style: chr17-48726922-G-A. GRCh37 (hg19) VCF-style: chr17-46804284-G-A.
Identifiers: ClinVar variation 2031167 (VCV002031167.5), dbSNP rs2509513062, ClinGen allele CA500500818.

ClinVar aggregate classification (germline): Benign/Likely benign. Review status: criteria provided, multiple submitters, no conflicts (2 of 4 stars). 2 submissions from 2 submitters: Benign (1); Likely benign (1). Last evaluated 2025-10-15.

Conditions:
Prostate cancer, hereditary, 9 (HPC9). Identifiers: Orphanet 1331, MedGen C1970250, MONDO:0012597, OMIM 610997.

Submissions (2):

Labcorp Genetics (formerly Invitae), Labcorp
Classification: Likely benign. Last evaluated: 2025-10-15. Review status: criteria provided, single submitter. Criteria: Invitae Variant Classification Sherloc (09022015). Collection method: clinical testing. Allele origin: germline.

Myriad Genetics, Inc.
Classification: Benign for Prostate cancer, hereditary, 9. Last evaluated: 2024-10-30. Review status: criteria provided, single submitter. Criteria: Myriad Autosomal Dominant, Autosomal Recessive and X-Linked Classification Criteria (2023). Collection method: clinical testing. Allele origin: unknown.
Comment: This variant is considered benign. This variant is a silent/synonymous amino acid change and it is not expected to impact splicing.